The following is an entry in ClinVar:

NM_080632.3(UPF3B):c.1421T>A (p.Ile474Asn)

Gene: UPF3B (UPF3B regulator of nonsense mediated mRNA decay; minus strand). Cytogenetic location: Xq24.
Variant type: single nucleotide variant.
Coding change: c.1421T>A on transcript NM_080632.3 (MANE Select); coding-DNA position 1421, T replaced by A.
Protein change: p.Ile474Asn; replaces isoleucine 474 with asparagine.
Molecular consequence: missense variant.
Genome position (GRCh38, 1-based): chrX:119,834,909, A>T on the plus strand (T>A on the coding strand, the complement: UPF3B is on the minus strand). VCF-style: chrX-119834909-A-T. GRCh37 (hg19) VCF-style: chrX-118968872-A-T.
Other names: c.1382T>A, p.Ile461Asn (NM_023010.4); short protein forms I461N, I474N.
Identifiers: ClinVar variation 986262 (VCV000986262.4), dbSNP rs2056076026, ClinGen allele CA414181311.
Genomic context (GRCh38, chrX:119,834,909, plus strand): 5'-GTCAGGACACCTAAGGCCATCTGGACTTATCACTCCTCTCCTCCTTCTTTTCTATGGCTA[A>T]TACCACTTTCCTGCTTCCTTTCTGCTGCTGAATCTCCAGACTTGGTGCTGTCATCAGGGG-3'
Protein context (NP_542199.1, residues 464-483): SAAERKQESG[Ile474Asn]SHRKEGGEE

ClinVar aggregate classification (germline): Uncertain significance (1 of 4 stars; one submission).

Conditions:
Inborn genetic diseases. Identifiers: MedGen C0950123, MeSH D030342.

Submission:

Ambry Genetics
Classification: Uncertain significance for Inborn genetic diseases. Last evaluated: 2020-01-14. Review status: criteria provided, single submitter. Criteria: Ambry Variant Classification Scheme 2023. Collection method: clinical testing. Allele origin: germline.
Comment: The alteration results in an amino acid change:_x000D_ _x000D_ The c.1421T>A (p.I474N) alteration is located in coding exon 11 of the UPF3B gene. This alteration results from a T to A substitution at nucleotide position 1421, causing the isoleucine (I) at amino acid position 474 to be replaced by an asparagine (N). The alteration is not observed in healthy cohorts:_x000D_ _x000D_ Based on data from the Genome Aggregation Database (gnomAD), the UPF3B c.1421T>A alteration was not observed, with coverage at this site. The altered amino acid is not conserved throughout evolution:_x000D_ _x000D_ The p.I474 amino acid is not conserved in available vertebrate species. The alteration is predicted benign by in silico models:_x000D_ _x000D_ The p.I474N alteration is predicted to be benign by Polyphen and tolerated by SIFT in silico analyses. Based on insufficient or conflicting evidence, the clinical significance of this alteration remains unclear.